The following is an entry in ClinVar:

ClinVar aggregate classification (germline): Uncertain significance. Review status: criteria provided, multiple submitters, no conflicts (2 of 4 stars). 2 submissions from 2 submitters: Uncertain significance (2). Last evaluated 2025-08-25.

Submissions (2):

Labcorp Genetics (formerly Invitae), Labcorp
Classification: Uncertain significance. Last evaluated: 2025-08-25. Review status: criteria provided, single submitter. Criteria: Invitae Variant Classification Sherloc (09022015). Collection method: clinical testing. Allele origin: germline.
Comment: This sequence change replaces valine, which is neutral and non-polar, with alanine, which is neutral and non-polar, at codon 828 of the OPA1 protein (p.Val828Ala). This variant is not present in population databases (gnomAD no frequency). This variant has not been reported in the literature in individuals affected with OPA1-related conditions. ClinVar contains an entry for this variant (Variation ID: 2998401). Invitae Evidence Modeling of protein sequence and biophysical properties (such as structural, functional, and spatial information, amino acid conservation, physicochemical variation, residue mobility, and thermodynamic stability) indicates that this missense variant is not expected to disrupt OPA1 protein function with a negative predictive value of 80%. In summary, the available evidence is currently insufficient to determine the role of this variant in disease. Therefore, it has been classified as a Variant of Uncertain Significance.

Blueprint Genetics
Classification: Uncertain significance. Last evaluated: 2022-03-31. Review status: criteria provided, single submitter. Criteria: ACMG Guidelines, 2015. Collection method: clinical testing. Allele origin: germline.

NM_130837.3(OPA1):c.2648T>C (p.Val883Ala)

Gene: OPA1 (OPA1 mitochondrial dynamin like GTPase; plus strand). Cytogenetic location: 3q29.
Variant type: single nucleotide variant.
Coding change: c.2648T>C on transcript NM_130837.3 (MANE Select); coding-DNA position 2648, T replaced by C.
Protein change: p.Val883Ala; replaces valine 883 with alanine.
Molecular consequence: missense variant.
Genome position (GRCh38, 1-based): chr3:193,662,949, T>C. VCF-style: chr3-193662949-T-C. GRCh37 (hg19) VCF-style: chr3-193380738-T-C.
Other names: c.2114T>C, p.Val705Ala (NM_001354663.2); c.2111T>C, p.Val704Ala (NM_001354664.2); c.2483T>C, p.Val828Ala (NM_015560.3); c.2375T>C, p.Val792Ala (NM_130831.3); c.2429T>C, p.Val810Ala (NM_130832.3); c.2486T>C, p.Val829Ala (NM_130833.3); c.2537T>C, p.Val846Ala (NM_130834.3); c.2540T>C, p.Val847Ala (NM_130835.3); and 1 more; short protein forms V792A, V828A, V846A, V829A, V704A, V847A, V865A, V883A.
Identifiers: ClinVar variation 2998401 (VCV002998401.4), dbSNP rs2475135403, ClinGen allele CA355793300.